The following is an entry in ClinVar:

ClinVar aggregate classification (germline): Pathogenic. Review status: criteria provided, multiple submitters, no conflicts (2 of 4 stars). 2 submissions from 2 submitters: Pathogenic (2). Last evaluated 2019-02-13.

Conditions:
JAGN1-related disorder. Also called: JAGN1-related condition.
Severe congenital neutropenia (SCN). Identifiers: Orphanet 42738, MedGen C1853118, MONDO:0018542.

Submissions (2):

Blueprint Genetics
Classification: Pathogenic for JAGN1-related disorders. Last evaluated: 2019-02-13. Review status: criteria provided, single submitter. Criteria: ACMG Guidelines, 2015. Collection method: clinical testing. Allele origin: germline. Affected: yes. Observed: 1 variant allele.

Klein lab, Ludwig-Maximilians-University
Classification: Pathogenic for Severe congenital neutropenia. Last evaluated: 2013-01-01. Review status: criteria provided, single submitter. Criteria: Submitter's publication. Collection method: in vitro. Allele origin: germline. Inheritance: Autosomal recessive inheritance. Affected: yes. Observed: 1 variant allele, 1 homozygote.
Comment: Neutropenia patients with mutations in JAGN1 respond poorly to treatment with recombinant human G-CSF

NM_032492.4(JAGN1):c.297C>G (p.Tyr99Ter)

Gene: JAGN1 (jagunal vesicle mediated transporter 1; plus strand). Cytogenetic location: 3p25.3.
Variant type: single nucleotide variant.
Coding change: c.297C>G on transcript NM_032492.4 (MANE Select); coding-DNA position 297, C replaced by G.
Protein change: p.Tyr99Ter; replaces tyrosine 99 with a stop codon.
Molecular consequence: nonsense.
Genome position (GRCh38, 1-based): chr3:9,893,122, C>G. VCF-style: chr3-9893122-C-G. GRCh37 (hg19) VCF-style: chr3-9934806-C-G.
Other names: c.297C>G, p.Tyr99Ter (LRG_1228t1); c.135C>G, p.Tyr45Ter (NM_001363890.1); short protein forms Y99*, Y45*.
Identifiers: ClinVar variation 190481 (VCV000190481.3), dbSNP rs786205705, ClinGen allele CA199737.